The following is an entry in ClinVar:

ClinVar aggregate classification (germline): Uncertain significance (1 of 4 stars; one submission).

gnomAD v4.1: 1 of 1,613,662 alleles (0.000062%); highest among the groups gnomAD compares: Non-Finnish European, 0.000085%; no homozygotes.

Submission:

Labcorp Genetics (formerly Invitae), Labcorp
Classification: Uncertain significance. Last evaluated: 2024-03-24. Review status: criteria provided, single submitter. Criteria: Invitae Variant Classification Sherloc (09022015). Collection method: clinical testing. Allele origin: germline.
Comment: This sequence change replaces asparagine, which is neutral and polar, with serine, which is neutral and polar, at codon 281 of the POLD2 protein (p.Asn281Ser). This variant is not present in population databases (gnomAD no frequency). This variant has not been reported in the literature in individuals affected with POLD2-related conditions. Experimental studies and prediction algorithms are not available or were not evaluated, and the functional significance of this variant is currently unknown. In summary, the available evidence is currently insufficient to determine the role of this variant in disease. Therefore, it has been classified as a Variant of Uncertain Significance.

NM_006230.4(POLD2):c.737A>G (p.Asn246Ser)

Gene: POLD2 (DNA polymerase delta 2, accessory subunit; minus strand). Cytogenetic location: 7p13.
Variant type: single nucleotide variant.
Coding change: c.737A>G on transcript NM_006230.4 (MANE Select); coding-DNA position 737, A replaced by G.
Protein change: p.Asn246Ser; replaces asparagine 246 with serine.
Molecular consequence: missense variant.
Genome position (GRCh38, 1-based): chr7:44,116,860, T>C on the plus strand (A>G on the coding strand, the complement: POLD2 is on the minus strand). VCF-style: chr7-44116860-T-C. GRCh37 (hg19) VCF-style: chr7-44156459-T-C.
Other names: c.737A>G, p.Asn246Ser (NM_001127218.3, NM_001256879.2); short protein forms N246S.
Identifiers: ClinVar variation 3673945 (VCV003673945.2).